The following is an entry in ClinVar:

ClinVar aggregate classification (germline): Uncertain significance (1 of 4 stars; one submission).

Conditions:
Hereditary cancer-predisposing syndrome. Also called: Tumor predisposition; Hereditary neoplastic syndrome; Neoplastic Syndromes, Hereditary; Hereditary Cancer Syndrome. Identifiers: Orphanet 140162, MedGen C0027672, MeSH D009386, MONDO:0015356.

Submission:

Ambry Genetics
Classification: Uncertain significance for Hereditary cancer-predisposing syndrome. Last evaluated: 2025-05-13. Review status: criteria provided, single submitter. Criteria: Ambry Variant Classification Scheme 2023. Collection method: clinical testing. Allele origin: germline.
Comment: The p.H1197D variant (also known as c.3589C>G), located in coding exon 9 of the BRCA1 gene, results from a C to G substitution at nucleotide position 3589. The histidine at codon 1197 is replaced by aspartic acid, an amino acid with similar properties. This amino acid position is poorly conserved in available vertebrate species. In addition, this alteration is predicted to be tolerated by in silico analysis. Based on the available evidence, the clinical significance of this variant remains unclear.

NM_007294.4(BRCA1):c.3589C>G (p.His1197Asp)

Genes: BRCA1 (BRCA1 DNA repair associated; minus strand), LOC126862571 (BRD4-independent group 4 enhancer GRCh37_chr17:41243136-41244335; plus strand). Cytogenetic location: 17q21.31.
Variant type: single nucleotide variant.
Coding change: c.3589C>G on transcript NM_007294.4 (MANE Select); coding-DNA position 3589, C replaced by G.
Protein change: p.His1197Asp; replaces histidine 1197 with aspartic acid.
Molecular consequence: missense variant. On other transcripts: intron variant (135).
Genome position (GRCh38, 1-based): chr17:43,091,942, G>C on the plus strand (C>G on the coding strand, the complement: BRCA1 is on the minus strand). VCF-style: chr17-43091942-G-C. GRCh37 (hg19) VCF-style: chr17-41243959-G-C.
Other names: c.3511C>G, p.His1171Asp (NM_001407656.1, NM_001407657.1, NM_001407658.1 and 4 more transcripts); c.3466C>G, p.His1156Asp (NM_001407675.1, NM_001407678.1, NM_001407679.1 and 19 more transcripts); c.3379C>G, p.His1127Asp (NM_001407879.1, NM_001407881.1, NM_001407882.1 and 13 more transcripts); c.3376C>G, p.His1126Asp (NM_001407894.1, NM_001407895.1, NM_001407896.1 and 9 more transcripts); c.3325C>G, p.His1109Asp (NM_001407920.1, NM_001407921.1, NM_001407922.1 and 9 more transcripts); c.3322C>G, p.His1108Asp (NM_001407930.1, NM_001407931.1, NM_001407932.1 and 2 more transcripts); c.3463C>G, p.His1155Asp (NM_001407940.1, NM_001407941.1, NM_001407670.1 and 11 more transcripts); c.3448C>G, p.His1150Asp (NM_001407942.1, NM_001407944.1, NM_001407945.1 and 29 more transcripts); and 41 more; short protein forms H1069D, H1085D, H1086D, H1127D, H1129D, H1150D, H1155D, H1156D.
Identifiers: ClinVar variation 3992620 (VCV003992620.1).
Genomic context (GRCh38, chr17:43,091,942, plus strand): 5'-ATAAGTTCTCTTCTGAGGACTCTAATTTCTTGGCCCCTCTTCGGTAACCCTGAGCCAAAT[G>C]TGTATGGGTGAAAGGGCTAGGACTCCTGCTAAGCTCTCCTTTCTGGACGCTTTTGCTAAA-3'
Protein context (NP_009225.1, residues 1187-1207): SRSPSPFTHT[His1197Asp]LAQGYRRGAK